The following is an entry in ClinVar:

ClinVar aggregate classification (germline): Uncertain significance (1 of 4 stars; one submission).

Submission:

CeGaT Center for Human Genetics Tuebingen
Classification: Uncertain significance. Last evaluated: 2024-11-01. Review status: criteria provided, single submitter. Criteria: CeGaT Center For Human Genetics Tuebingen Variant Classification Criteria Version 2. Collection method: clinical testing. Allele origin: germline. Affected: yes. Observed: 1 variant allele.
Comment: GRIA2: PM2

NM_001083619.3(GRIA2):c.720+6T>C

Gene: GRIA2 (glutamate ionotropic receptor AMPA type subunit 2; plus strand). Cytogenetic location: 4q32.1.
Variant type: single nucleotide variant.
Coding change: c.720+6T>C on transcript NM_001083619.3 (MANE Select); 6 bases into the intron after coding-DNA position 720, T replaced by C.
Molecular consequence: intron variant.
Genome position (GRCh38, 1-based): chr4:157,317,717, T>C. VCF-style: chr4-157317717-T-C. GRCh37 (hg19) VCF-style: chr4-158238869-T-C.
Other names: c.579+6T>C (NM_001379000.3, NM_001379001.3, NM_001083620.3); c.720+6T>C (NM_000826.6).
Identifiers: ClinVar variation 3390227 (VCV003390227.14).